The following is an entry in ClinVar:

NM_000214.3(JAG1):c.3046A>G (p.Ile1016Val)

Gene: JAG1 (jagged canonical Notch ligand 1; minus strand). Cytogenetic location: 20p12.2.
Variant type: single nucleotide variant.
Coding change: c.3046A>G on transcript NM_000214.3 (MANE Select); coding-DNA position 3046, A replaced by G.
Protein change: p.Ile1016Val; replaces isoleucine 1016 with valine.
Molecular consequence: missense variant.
Genome position (GRCh38, 1-based): chr20:10,641,115, T>C on the plus strand (A>G on the coding strand, the complement: JAG1 is on the minus strand). VCF-style: chr20-10641115-T-C. GRCh37 (hg19) VCF-style: chr20-10621763-T-C.
Other names: short protein forms I1016V.
Identifiers: ClinVar variation 3531195 (VCV003531195.1).

ClinVar aggregate classification (germline): Uncertain significance (1 of 4 stars; one submission).

Conditions:
Cardiovascular phenotype. Identifiers: MedGen CN230736.

gnomAD v4.1: 4 of 1,614,012 alleles (0.00025%); highest among the groups gnomAD compares: South Asian, 0.0011%; no homozygotes.

Submission:

Ambry Genetics
Classification: Uncertain significance for Cardiovascular phenotype. Last evaluated: 2024-11-18. Review status: criteria provided, single submitter. Criteria: Ambry Variant Classification Scheme 2023. Collection method: clinical testing. Allele origin: germline.
Comment: The p.I1016V variant (also known as c.3046A>G), located in coding exon 24 of the JAG1 gene, results from an A to G substitution at nucleotide position 3046. The isoleucine at codon 1016 is replaced by valine, an amino acid with highly similar properties. This amino acid position is conserved. In addition, the in silico prediction for this alteration is inconclusive. Based on the available evidence, the clinical significance of this variant remains unclear.